The following is an entry in ClinVar:

NM_000722.4(CACNA2D1):c.2918A>T (p.Asn973Ile)

Gene: CACNA2D1 (calcium voltage-gated channel auxiliary subunit alpha2delta 1; minus strand). Cytogenetic location: 7q21.11.
Variant type: single nucleotide variant.
Coding change: c.2918A>T on transcript NM_000722.4 (MANE Select); coding-DNA position 2918, A replaced by T.
Protein change: p.Asn973Ile; replaces asparagine 973 with isoleucine.
Molecular consequence: missense variant.
Genome position (GRCh38, 1-based): chr7:81,961,942, T>A on the plus strand (A>T on the coding strand, the complement: CACNA2D1 is on the minus strand). VCF-style: chr7-81961942-T-A. GRCh37 (hg19) VCF-style: chr7-81591258-T-A.
Other names: c.2954A>T, p.Asn985Ile (NM_001366867.1); short protein forms N973I, N985I.
Identifiers: ClinVar variation 2082927 (VCV002082927.6), dbSNP rs768408345, ClinGen allele CA4317440.
Genomic context (GRCh38, chr7:81,961,942, plus strand): 5'-TAAATAAATTACCTGGAACAGTTTCCACAGTCTAATACACCACTGAATGATTTACTGTCG[T>A]TATCGAAGAAATACTGGGTTTGTTCAGTAATGCAGCTCTGCTTGGACAGGGAGGCCGTGA-3'
Protein context (NP_000713.2, residues 963-983): ITEQTQYFFD[Asn973Ile]DSKSFSGVLD

ClinVar aggregate classification (germline): Conflicting classifications of pathogenicity. Review status: criteria provided, conflicting classifications (1 of 4 stars). 2 submissions from 2 submitters: Uncertain significance (1); Likely benign (1). Last evaluated 2025-09-12.

Conditions:
Brugada syndrome. Also called: Sudden unexplained nocturnal death syndrome; Sudden unexpected nocturnal death syndrome; Sudden Unexplained Death Syndrome; Sudden Unexplained Nocturnal Death Syndrome (SUNDS). Identifiers: Orphanet 130, MedGen C1142166, MONDO:0015263.
Cardiovascular phenotype. Identifiers: MedGen CN230736.

Allele frequency attached by ClinVar (database versions not stated): gnomAD 0.00001; TOPMed 0.00002; ExAC 0.00003; gnomAD exomes 0.00003.
gnomAD v4.1: 41 of 1,611,514 alleles (0.0025%); highest among the groups gnomAD compares: Admixed American, 0.013%; no homozygotes.

Submissions (2):

Labcorp Genetics (formerly Invitae), Labcorp
Classification: Uncertain significance for Brugada syndrome. Last evaluated: 2025-09-12. Review status: criteria provided, single submitter. Criteria: Invitae Variant Classification Sherloc (09022015). Collection method: clinical testing. Allele origin: germline.
Comment: This sequence change replaces asparagine, which is neutral and polar, with isoleucine, which is neutral and non-polar, at codon 973 of the CACNA2D1 protein (p.Asn973Ile). This variant is present in population databases (rs768408345, gnomAD 0.01%). This variant has not been reported in the literature in individuals affected with CACNA2D1-related conditions. ClinVar contains an entry for this variant (Variation ID: 2082927). Experimental studies and prediction algorithms are not available or were not evaluated, and the functional significance of this variant is currently unknown. In summary, the available evidence is currently insufficient to determine the role of this variant in disease. Therefore, it has been classified as a Variant of Uncertain Significance.

Ambry Genetics
Classification: Likely benign for Cardiovascular phenotype. Last evaluated: 2022-12-04. Review status: criteria provided, single submitter. Criteria: Ambry Variant Classification Scheme 2023. Collection method: clinical testing. Allele origin: germline.